The following is an entry in ClinVar:

NM_005557.4(KRT16):c.889G>A (p.Ala297Thr)

Gene: KRT16 (keratin 16; minus strand). Cytogenetic location: 17q21.2.
Variant type: single nucleotide variant.
Coding change: c.889G>A on transcript NM_005557.4 (MANE Select); coding-DNA position 889, G replaced by A.
Protein change: p.Ala297Thr; replaces alanine 297 with threonine.
Molecular consequence: missense variant.
Genome position (GRCh38, 1-based): chr17:41,611,113, C>T on the plus strand (G>A on the coding strand, the complement: KRT16 is on the minus strand). VCF-style: chr17-41611113-C-T. GRCh37 (hg19) VCF-style: chr17-39767365-C-T.
Other names: short protein forms A297T.
Identifiers: ClinVar variation 3608022 (VCV003608022.2).
Genomic context (GRCh38, chr17:41,611,113, plus strand): 5'-CGGGCCCGAGCCCCACCTTGCTCAGGAACCAGGTCTCAGCGTCTCTGCGGTTTTTCTCTG[C>T]CATCTGCTCGTACTGGTCACGCATCTCATTCAGGATGCGGCTCAGGTCCACGCCAGGTGC-3'
Protein context (NP_005548.2, residues 287-307): NEMRDQYEQM[Ala297Thr]EKNRRDAETW

ClinVar aggregate classification (germline): Uncertain significance (1 of 4 stars; one submission).

Submission:

Labcorp Genetics (formerly Invitae), Labcorp
Classification: Uncertain significance. Last evaluated: 2024-02-08. Review status: criteria provided, single submitter. Criteria: Invitae Variant Classification Sherloc (09022015). Collection method: clinical testing. Allele origin: germline.
Comment: This sequence change replaces alanine, which is neutral and non-polar, with threonine, which is neutral and polar, at codon 297 of the KRT16 protein (p.Ala297Thr). This variant is not present in population databases (gnomAD no frequency). This variant has not been reported in the literature in individuals affected with KRT16-related conditions. Advanced modeling of protein sequence and biophysical properties (such as structural, functional, and spatial information, amino acid conservation, physicochemical variation, residue mobility, and thermodynamic stability) performed at Invitae indicates that this missense variant is not expected to disrupt KRT16 protein function with a negative predictive value of 95%. In summary, the available evidence is currently insufficient to determine the role of this variant in disease. Therefore, it has been classified as a Variant of Uncertain Significance.